The following is an entry in ClinVar:

NM_014297.5(ETHE1):c.16del (p.Val5_Leu6insTer)

Gene: ETHE1 (ETHE1 persulfide dioxygenase; minus strand). Cytogenetic location: 19q13.31.
Variant type: Deletion.
Coding change: c.16del on transcript NM_014297.5 (MANE Select); coding-DNA position 16, one base deleted (C; older notation c.16delC).
Protein change: p.Val5_Leu6insTer.
Molecular consequence: nonsense. On other transcripts: 5 prime UTR variant (1).
Genome position (GRCh38, 1-based): chr19:43,527,162, G deleted on the plus strand (C on the coding strand, the reverse complement: ETHE1 is on the minus strand). VCF-style (leftmost placement, unchanged base first): chr19-43527161-AG-A. GRCh37 (hg19) VCF-style: chr19-44031313-AG-A.
Other names: c.16del, p.Val5_Leu6insTer (NM_001320867.2, NM_001320869.2); c.-205del (NM_001320868.2).
Identifiers: ClinVar variation 4815652 (VCV004815652.1).

ClinVar aggregate classification (germline): Likely pathogenic (1 of 4 stars; one submission).

Conditions:
Ethylmalonic encephalopathy (EE). Also called: EPEMA syndrome; Encephalopathy, petechiae, and ethylmalonic aciduria; Syndrome of encephalopathy, petechiae, and ethylmalonic aciduria. Identifiers: Orphanet 51188, MedGen C1865349, MONDO:0011229, OMIM 602473. Disease mechanism: loss of function.

Submission:

Natera, Inc.
Classification: Likely pathogenic for Ethylmalonic encephalopathy. Last evaluated: 2025-08-28. Review status: criteria provided, single submitter. Criteria: Natera Variant Classification Schema (03/2026). Collection method: clinical testing. Allele origin: germline.
Comment: The c.16del variant in ETHE1 is a frameshift variant predicted to shift the reading frame and introduce a stop codon. This variant is expected to result in nonsense mediated decay, truncation, or a dysfunctional protein product. This variant is rare in the general population with a frequency below the threshold expected for the associated phenotype(s). Given the available evidence, this variant is classified as Likely Pathogenic.